The following is an entry in ClinVar:

ClinVar aggregate classification (germline): Likely benign (1 of 4 stars; one submission).

Allele frequency attached by ClinVar (database versions not stated): TOPMed 0.00001; gnomAD 0.00009; gnomAD exomes 0.00009; ExAC 0.00028; 1000 Genomes Project 0.00120; 1000 Genomes Project 30x 0.00203.
gnomAD v4.1: 149 of 1,613,816 alleles (0.0092%); highest among the groups gnomAD compares: South Asian, 0.14%; 2 homozygotes.

Submission:

CeGaT Center for Human Genetics Tuebingen
Classification: Likely benign. Last evaluated: 2023-04-01. Review status: criteria provided, single submitter. Criteria: CeGaT Center For Human Genetics Tuebingen Variant Classification Criteria Version 2. Collection method: clinical testing. Allele origin: germline. Affected: yes. Observed: 1 variant allele.
Comment: EDC3: BP4, BP7

NM_025083.5(EDC3):c.576C>T (p.Phe192=)

Gene: EDC3 (enhancer of mRNA decapping 3; minus strand). Cytogenetic location: 15q24.1.
Variant type: single nucleotide variant.
Coding change: c.576C>T on transcript NM_025083.5 (MANE Select); coding-DNA position 576, C replaced by T.
Protein change: p.Phe192=; no amino-acid change (phenylalanine 192 retained).
Molecular consequence: synonymous variant.
Genome position (GRCh38, 1-based): chr15:74,655,977, G>A on the plus strand (C>T on the coding strand, the complement: EDC3 is on the minus strand). VCF-style: chr15-74655977-G-A. GRCh37 (hg19) VCF-style: chr15-74948318-G-A.
Other names: c.576C>T, p.Phe192= (NM_001142443.3, NM_001142444.3, NM_001351378.2); c.141C>T, p.Phe47= (NM_001351379.2).
Identifiers: ClinVar variation 2645543 (VCV002645543.24), dbSNP rs544450073, ClinGen allele CA7659064.